The following is an entry in ClinVar:

ClinVar aggregate classification (germline): Uncertain significance (1 of 4 stars; one submission).

gnomAD v4.1: 1 of 1,563,482 alleles (0.000064%); no homozygotes.

Submission:

Labcorp Genetics (formerly Invitae), Labcorp
Classification: Uncertain significance. Last evaluated: 2022-07-25. Review status: criteria provided, single submitter. Criteria: Invitae Variant Classification Sherloc (09022015). Collection method: clinical testing. Allele origin: germline.
Comment: In summary, the available evidence is currently insufficient to determine the role of this variant in disease. Therefore, it has been classified as a Variant of Uncertain Significance. Experimental studies and prediction algorithms are not available or were not evaluated, and the functional significance of this variant is currently unknown. This variant has not been reported in the literature in individuals affected with COL18A1-related conditions. This variant is not present in population databases (gnomAD no frequency). This sequence change replaces glycine, which is neutral and non-polar, with valine, which is neutral and non-polar, at codon 877 of the COL18A1 protein (p.Gly877Val).

NM_001379500.1(COL18A1):c.2630G>T (p.Gly877Val)

Gene: COL18A1 (collagen type XVIII alpha 1 chain; plus strand). Cytogenetic location: 21q22.3.
Variant type: single nucleotide variant.
Coding change: c.2630G>T on transcript NM_001379500.1 (MANE Select); coding-DNA position 2630, G replaced by T.
Protein change: p.Gly877Val; replaces glycine 877 with valine.
Molecular consequence: missense variant.
Genome position (GRCh38, 1-based): chr21:45,497,608, G>T. VCF-style: chr21-45497608-G-T. GRCh37 (hg19) VCF-style: chr21-46917522-G-T.
Other names: c.3170G>T, p.Gly1057Val (NM_030582.4); c.3875G>T, p.Gly1292Val (NM_130444.3); short protein forms G1057V, G1292V, G877V.
Identifiers: ClinVar variation 1713817 (VCV001713817.3), dbSNP rs770294398, ClinGen allele CA410498156.
Genomic context (GRCh38, chr21:45,497,608, plus strand): 5'-GGAGTCCTCCCTGGCACATTCCTGATGGGCACTGGGTCTCTCTTCCTCCAGGGAATCAGG[G>T]CCCTCCAGGACCCAAGGGCGCCAAAGGAGAAGTGGGCCCCCCCGGACCACCAGGTGAGCA-3'
Protein context (NP_001366429.1, residues 867-887): PGPPGLPGNQ[Gly877Val]PPGPKGAKGE